The following is an entry in ClinVar:

NM_000046.5(ARSB):c.478C>G (p.Arg160Gly)

Gene: ARSB (arylsulfatase B; minus strand). Cytogenetic location: 5q14.1.
Variant type: single nucleotide variant.
Coding change: c.478C>G on transcript NM_000046.5 (MANE Select); coding-DNA position 478, C replaced by G.
Protein change: p.Arg160Gly; replaces arginine 160 with glycine.
Molecular consequence: missense variant.
Genome position (GRCh38, 1-based): chr5:78,969,027, G>C on the plus strand (C>G on the coding strand, the complement: ARSB is on the minus strand). VCF-style: chr5-78969027-G-C. GRCh37 (hg19) VCF-style: chr5-78264850-G-C.
Other names: c.478C>G, p.Arg160Gly (NM_198709.3); short protein forms R160G.
Identifiers: ClinVar variation 2745696 (VCV002745696.3), dbSNP rs1255777033, ClinGen allele CA360193896.

ClinVar aggregate classification (germline): Likely pathogenic (1 of 4 stars; one submission).

Conditions:
Mucopolysaccharidosis type 6 (MPS6). Also called: MPS VI; ARYLSULFATASE B DEFICIENCY; N-ACETYLGALACTOSAMINE-4-SULFATASE DEFICIENCY; MPS 6; Maroteaux Lamy syndrome; ARSB DEFICIENCY. Identifiers: Orphanet 583, MedGen C0026709, MONDO:0009661, OMIM 253200.

Submission:

Labcorp Genetics (formerly Invitae), Labcorp
Classification: Likely pathogenic for Mucopolysaccharidosis type 6. Last evaluated: 2023-07-21. Review status: criteria provided, single submitter. Criteria: Invitae Variant Classification Sherloc (09022015). Collection method: clinical testing. Allele origin: germline.
Comment: This variant has not been reported in the literature in individuals affected with ARSB-related conditions. This sequence change replaces arginine, which is basic and polar, with glycine, which is neutral and non-polar, at codon 160 of the ARSB protein (p.Arg160Gly). This variant is not present in population databases (gnomAD no frequency). Advanced modeling of protein sequence and biophysical properties (such as structural, functional, and spatial information, amino acid conservation, physicochemical variation, residue mobility, and thermodynamic stability) performed at Invitae indicates that this missense variant is expected to disrupt ARSB protein function. This variant disrupts the p.Arg160 amino acid residue in ARSB. Other variant(s) that disrupt this residue have been determined to be pathogenic (PMID: 8125475, 17643332, 22133300, 24677745, 27797586). This suggests that this residue is clinically significant, and that variants that disrupt this residue are likely to be disease-causing. In summary, the currently available evidence indicates that the variant is pathogenic, but additional data are needed to prove that conclusively. Therefore, this variant has been classified as Likely Pathogenic.

Literature cited by the submitters: PubMed 8125475; PubMed 17643332; PubMed 22133300; PubMed 24677745; PubMed 27797586.